The following is an entry in ClinVar:

NM_000929.3(PLA2G5):c.157C>T (p.Arg53Ter)

Gene: PLA2G5 (phospholipase A2 group V; plus strand). Cytogenetic location: 1p36.13.
Variant type: single nucleotide variant.
Coding change: c.157C>T on transcript NM_000929.3 (MANE Select); coding-DNA position 157, C replaced by T.
Protein change: p.Arg53Ter; replaces arginine 53 with a stop codon.
Molecular consequence: nonsense.
Genome position (GRCh38, 1-based): chr1:20,086,199, C>T. VCF-style: chr1-20086199-C-T. GRCh37 (hg19) VCF-style: chr1-20412692-C-T.
Other names: short protein forms R53*.
Identifiers: ClinVar variation 30163 (VCV000030163.11), dbSNP rs200954922, ClinGen allele CA128995.
Genomic context (GRCh38, chr1:20,086,199, plus strand): 5'-ACAGGGAAGAACGCCCTGACAAACTACGGCTTCTACGGCTGTTACTGCGGCTGGGGCGGC[C>T]GAGGAACCCCCAAGGATGGCACCGATTGGTGAGCTGATCGCTATAACTGCCCTTTAGGCT-3'

ClinVar aggregate classification (germline): Uncertain significance. Review status: criteria provided, multiple submitters, no conflicts (2 of 4 stars). 3 submissions from 3 submitters: Uncertain significance (2). 1 of the submissions does not count toward it. Last evaluated 2022-09-27.

Conditions:
Familial benign flecked retina. Identifiers: Orphanet 363989, MedGen C1856718, MONDO:0009235, OMIM 228980.

Allele frequency attached by ClinVar (database versions not stated): 1000 Genomes Project 30x 0.00016; 1000 Genomes Project 0.00020; gnomAD exomes 0.00001 and 0.00002; TOPMed 0.00002; ExAC 0.00003; gnomAD 0.00004 and 0.00005.
gnomAD v4.1: 19 of 1,614,112 alleles (0.0012%); highest among the groups gnomAD compares: African/African-American, 0.011%; no homozygotes.

Submissions (3):

Labcorp Genetics (formerly Invitae), Labcorp
Classification: Uncertain significance. Last evaluated: 2022-09-27. Review status: criteria provided, single submitter. Criteria: Invitae Variant Classification Sherloc (09022015). Collection method: clinical testing. Allele origin: germline.
Comment: This premature translational stop signal has been observed in individual(s) with benign fleck retina (PMID: 22137173). This variant is present in population databases (rs200954922, gnomAD 0.02%). This sequence change creates a premature translational stop signal (p.Arg53*) in the PLA2G5 gene. It is expected to result in an absent or disrupted protein product. However, the current clinical and genetic evidence is not sufficient to establish whether loss-of-function variants in PLA2G5 cause disease. ClinVar contains an entry for this variant (Variation ID: 30163). In summary, the available evidence is currently insufficient to determine the role of this variant in disease. Therefore, it has been classified as a Variant of Uncertain Significance.

Blueprint Genetics
Classification: Uncertain significance. Last evaluated: 2022-04-12. Review status: criteria provided, single submitter. Criteria: ACMG Guidelines, 2015. Collection method: clinical testing. Allele origin: germline.

OMIM
Classification: Affects for FLECK RETINA, FAMILIAL BENIGN. Last evaluated: 2011-12-09. Review status: no assertion criteria provided. Collection method: literature only. Allele origin: germline. Not counted in ClinVar's aggregate classification.

Literature cited by the submitters: PubMed 22137173 (cited by Labcorp Genetics (formerly Invitae), Labcorp and OMIM).